The following is an entry in ClinVar:

ClinVar aggregate classification (germline): Pathogenic (1 of 4 stars; one submission).

Conditions:
Familial thoracic aortic aneurysm and aortic dissection (TAAD). Also called: Thoracic aortic aneurysms and dissections. Identifiers: Orphanet 91387, MedGen C4707243, MONDO:0019625.
Marfan syndrome (MFS). Also called: MARFAN SYNDROME, TYPE I; Marfan syndrome type 1; Marfan's syndrome; Marfan syndrome, classic; FBN1-Related Marfan Syndrome. Identifiers: Orphanet 284963, Orphanet 558, MedGen C0024796, MONDO:0007947, OMIM 154700.

Submission:

Labcorp Genetics (formerly Invitae), Labcorp
Classification: Pathogenic for Marfan syndrome; Familial thoracic aortic aneurysm and aortic dissection. Last evaluated: 2022-01-15. Review status: criteria provided, single submitter. Criteria: Invitae Variant Classification Sherloc (09022015). Collection method: clinical testing. Allele origin: germline.
Comment: For these reasons, this variant has been classified as Pathogenic. This variant disrupts a region of the FBN1 protein in which other variant(s) (p.Gln2867*) have been determined to be pathogenic (PMID: 19293843). This suggests that this is a clinically significant region of the protein, and that variants that disrupt it are likely to be disease-causing. This premature translational stop signal has been observed in individual(s) with Marfan syndrome (PMID: 25652356). This variant is not present in population databases (gnomAD no frequency). This sequence change creates a premature translational stop signal (p.Asp2743Tyrfs*6) in the FBN1 gene. While this is not anticipated to result in nonsense mediated decay, it is expected to disrupt the last 129 amino acid(s) of the FBN1 protein.

Literature cited by the submitters: PubMed 19293843; PubMed 25652356.

NM_000138.5(FBN1):c.8219_8225dup (p.Asp2743fs)

Gene: FBN1 (fibrillin 1; minus strand). Cytogenetic location: 15q21.1.
Variant type: Duplication.
Coding change: c.8219_8225dup on transcript NM_000138.5 (MANE Select); coding-DNA positions 8219 to 8225, 7 bases duplicated (ATATCGA; older notation c.8219_8225dupATATCGA).
Protein change: p.Asp2743fs; shifts the reading frame from aspartic acid 2743.
Molecular consequence: frameshift variant.
Genome position (GRCh38, 1-based): chr15:48,412,570-48,412,576, TCGATAT duplicated on the plus strand (ATATCGA on the coding strand, the reverse complement: FBN1 is on the minus strand); duplicating any 7 consecutive bases within chr15:48,412,570-48,412,577 gives the same sequence; the c. name uses the placement nearest the transcript's 3' end. VCF-style (leftmost placement, unchanged base first): chr15-48412569-C-CTCGATAT. GRCh37 (hg19) VCF-style: chr15-48704766-C-CTCGATAT.
Other names: c.8218_8224dup, p.Asp2743Tyrfs (NM_001406716.1); short protein forms D2743fs.
Identifiers: ClinVar variation 2137672 (VCV002137672.4), dbSNP rs2505375053, ClinGen allele CA2580089594.